The following is an entry in ClinVar:

NM_002769.5(PRSS1):c.62A>T (p.Asp21Val)

Genes: TRB (T cell receptor beta locus; plus strand), PRSS1 (serine protease 1; plus strand). Cytogenetic location: 7q34.
Variant type: single nucleotide variant.
Coding change: c.62A>T on transcript NM_002769.5 (MANE Select); coding-DNA position 62, A replaced by T.
Protein change: p.Asp21Val; replaces aspartic acid 21 with valine.
Molecular consequence: missense variant. On other transcripts: non-coding transcript variant (2).
Genome position (GRCh38, 1-based): chr7:142,750,576, A>T. VCF-style: chr7-142750576-A-T. GRCh37 (hg19) VCF-style: chr7-142458427-A-T.
Other names: short protein forms D21V.
Identifiers: ClinVar variation 1752709 (VCV001752709.2), dbSNP rs2485732173, ClinGen allele CA369607061.

ClinVar aggregate classification (germline): Uncertain significance (1 of 4 stars; one submission).

Conditions:
Hereditary pancreatitis (PCTT). Also called: Hereditary chronic pancreatitis; PRSS1-Related Hereditary Pancreatitis. Identifiers: Orphanet 676, MedGen C0238339, MONDO:0008185, OMIM 167800.

Submission:

Ambry Genetics
Classification: Uncertain significance for Hereditary pancreatitis. Last evaluated: 2022-04-06. Review status: criteria provided, single submitter. Criteria: Ambry Variant Classification Scheme 2023. Collection method: clinical testing. Allele origin: germline.
Comment: The p.D21V variant (also known as c.62A>T), located in coding exon 2 of the PRSS1 gene, results from an A to T substitution at nucleotide position 62. The aspartic acid at codon 21 is replaced by valine, an amino acid with highly dissimilar properties. This amino acid position is conserved. In addition, the in silico prediction for this alteration is inconclusive. Since supporting evidence is limited at this time, the clinical significance of this alteration remains unclear.